The following is an entry in ClinVar:

NM_000531.6(OTC):c.520G>C (p.Ala174Pro)

Gene: OTC (ornithine transcarbamylase; plus strand). Cytogenetic location: Xp11.4.
Variant type: single nucleotide variant.
Coding change: c.520G>C on transcript NM_000531.6 (MANE Select); coding-DNA position 520, G replaced by C.
Protein change: p.Ala174Pro; replaces alanine 174 with proline.
Molecular consequence: missense variant.
Genome position (GRCh38, 1-based): chrX:38,401,408, G>C. VCF-style: chrX-38401408-G-C. GRCh37 (hg19) VCF-style: chrX-38260661-G-C.
Other names: short protein forms A174P.
Identifiers: ClinVar variation 97231 (VCV000097231.2), dbSNP rs72556281, ClinGen allele CA224659.

ClinVar aggregate classification (germline): Pathogenic (0 of 4 stars; one submission).

Submission:

GenMed Metabolism Lab
Classification: Pathogenic. Review status: no assertion criteria provided. Collection method: not provided. Allele origin: unknown.
ClinVar note: Converted during submission from pathogenic to Pathogenic.